The following is an entry in ClinVar:

NM_007347.5(AP4E1):c.2966A>G (p.Gln989Arg)

Gene: AP4E1 (adaptor related protein complex 4 subunit epsilon 1; plus strand). Cytogenetic location: 15q21.2.
Variant type: single nucleotide variant.
Coding change: c.2966A>G on transcript NM_007347.5 (MANE Select); coding-DNA position 2966, A replaced by G.
Protein change: p.Gln989Arg; replaces glutamine 989 with arginine.
Molecular consequence: missense variant.
Genome position (GRCh38, 1-based): chr15:50,999,133, A>G. VCF-style: chr15-50999133-A-G. GRCh37 (hg19) VCF-style: chr15-51291330-A-G.
Other names: c.2741A>G, p.Gln914Arg (NM_001252127.2); c.2966A>G (NM_007347.3); short protein forms Q914R, Q989R.
Identifiers: ClinVar variation 2062206 (VCV002062206.5), dbSNP rs759752903, ClinGen allele CA7559417.

ClinVar aggregate classification (germline): Uncertain significance. Review status: criteria provided, multiple submitters, no conflicts (2 of 4 stars). 2 submissions from 2 submitters: Uncertain significance (2). Last evaluated 2023-11-20.

Conditions:
Inborn genetic diseases. Identifiers: MedGen C0950123, MeSH D030342.
Spastic paraplegia. Identifiers: MedGen C0037772, HP:0001258.

Allele frequency attached by ClinVar (database versions not stated): TOPMed below 0.00001; gnomAD exomes 0.00004; gnomAD 0.00002; ExAC 0.00007.
gnomAD v4.1: 60 of 1,613,944 alleles (0.0037%); highest among the groups gnomAD compares: South Asian, 0.065%; no homozygotes.

Submissions (2):

Ambry Genetics
Classification: Uncertain significance for Inborn genetic diseases. Last evaluated: 2023-11-20. Review status: criteria provided, single submitter. Criteria: Ambry Variant Classification Scheme 2023. Collection method: clinical testing. Allele origin: germline.

Labcorp Genetics (formerly Invitae), Labcorp
Classification: Uncertain significance for Spastic paraplegia. Last evaluated: 2022-11-22. Review status: criteria provided, single submitter. Criteria: Invitae Variant Classification Sherloc (09022015). Collection method: clinical testing. Allele origin: germline.
Comment: Algorithms developed to predict the effect of missense changes on protein structure and function (SIFT, PolyPhen-2, Align-GVGD) all suggest that this variant is likely to be tolerated. In summary, the available evidence is currently insufficient to determine the role of this variant in disease. Therefore, it has been classified as a Variant of Uncertain Significance. This variant has not been reported in the literature in individuals affected with AP4E1-related conditions. This variant is present in population databases (rs759752903, gnomAD 0.07%). This sequence change replaces glutamine, which is neutral and polar, with arginine, which is basic and polar, at codon 989 of the AP4E1 protein (p.Gln989Arg).